The following is an entry in ClinVar:

ClinVar aggregate classification (germline): Uncertain significance. Review status: criteria provided, multiple submitters, no conflicts (2 of 4 stars). 2 submissions from 2 submitters: Uncertain significance (2). Last evaluated 2024-09-04.

Conditions:
Inborn genetic diseases. Identifiers: MedGen C0950123, MeSH D030342.
Glycine encephalopathy. Also called: Nonketotic hyperglycinemia; Non-ketotic hyperglycinemia. Identifiers: Orphanet 407, MedGen C0751748, MONDO:0011612, HP:0008288.

Allele frequency attached by ClinVar (database versions not stated): TOPMed below 0.00001; gnomAD exomes 0.00001 and 0.00052; gnomAD 0.00003.
gnomAD v4.1: 17 of 1,318,712 alleles (0.0013%); highest among the groups gnomAD compares: Admixed American, 0.008%; no homozygotes.

Submissions (2):

Ambry Genetics
Classification: Uncertain significance for Inborn genetic diseases. Last evaluated: 2024-09-04. Review status: criteria provided, single submitter. Criteria: Ambry Variant Classification Scheme 2023. Collection method: clinical testing. Allele origin: germline.

Labcorp Genetics (formerly Invitae), Labcorp
Classification: Uncertain significance for Glycine encephalopathy. Last evaluated: 2017-04-16. Review status: criteria provided, single submitter. Criteria: Invitae Variant Classification Sherloc (09022015). Collection method: clinical testing. Allele origin: germline.
Comment: While this variant is not present in population databases, the frequency information is unreliable, as metrics indicate poor data quality at this position in the ExAC database. This variant has not been reported in the literature in individuals with a GCSH-related disease. This sequence change replaces cysteine with tyrosine at codon 26 of the GCSH protein (p.Cys26Tyr). The cysteine residue is weakly conserved and there is a large physicochemical difference between cysteine and tyrosine. Algorithms developed to predict the effect of missense changes on protein structure and function (SIFT, PolyPhen-2, Align-GVGD) all suggest that this variant is likely to be tolerated, but these predictions have not been confirmed by published functional studies. In summary, this variant is a novel missense change that is not predicted to affect protein function. There is no indication that it causes disease, but the available evidence is currently insufficient to prove that conclusively. Therefore, it has been classified as a Variant of Uncertain Significance.

NM_004483.5(GCSH):c.77G>A (p.Cys26Tyr)

Genes: GCSH (glycine cleavage system protein H; minus strand), LOC130059495 (ATAC-STARR-seq lymphoblastoid silent region 7751; plus strand). Cytogenetic location: 16q23.2.
Variant type: single nucleotide variant.
Coding change: c.77G>A on transcript NM_004483.5 (MANE Select); coding-DNA position 77, G replaced by A.
Protein change: p.Cys26Tyr; replaces cysteine 26 with tyrosine.
Molecular consequence: missense variant. On other transcripts: non-coding transcript variant (1).
Genome position (GRCh38, 1-based): chr16:81,096,202, C>T on the plus strand (G>A on the coding strand, the complement: GCSH is on the minus strand). VCF-style: chr16-81096202-C-T. GRCh37 (hg19) VCF-style: chr16-81129807-C-T.
Other names: short protein forms C26Y.
Identifiers: ClinVar variation 462909 (VCV000462909.10), dbSNP rs1443267686, ClinGen allele CA396889383.